The following is an entry in ClinVar:

ClinVar aggregate classification (germline): Uncertain significance (1 of 4 stars; one submission).

Conditions:
Majeed syndrome (MJDS). Also called: CHRONIC RECURRENT MULTIFOCAL OSTEOMYELITIS 1, WITH CONGENITAL DYSERYTHROPOIETIC ANEMIA, WITH OR WITHOUT NEUTROPHILIC DERMATOSIS; LPIN2-Related Majeed Syndrome. Identifiers: Orphanet 77297, MedGen C1864997, MONDO:0012316, OMIM 609628.

Allele frequency attached by ClinVar (database versions not stated): TOPMed 0.00001.
gnomAD v4.1: 6 of 1,614,038 alleles (0.00037%); highest among the groups gnomAD compares: Non-Finnish European, 0.00051%; no homozygotes.

Submission:

Labcorp Genetics (formerly Invitae), Labcorp
Classification: Uncertain significance for Majeed syndrome. Last evaluated: 2018-10-25. Review status: criteria provided, single submitter. Criteria: Invitae Variant Classification Sherloc (09022015). Collection method: clinical testing. Allele origin: germline.
Comment: In summary, the available evidence is currently insufficient to determine the role of this variant in disease. Therefore, it has been classified as a Variant of Uncertain Significance. Algorithms developed to predict the effect of missense changes on protein structure and function output the following: SIFT: "Tolerated"; PolyPhen-2: "Benign"; Align-GVGD: "Class C0". The leucine amino acid residue is found in multiple mammalian species, suggesting that this missense change does not adversely affect protein function. These predictions have not been confirmed by published functional studies and their clinical significance is uncertain. This variant has not been reported in the literature in individuals with LPIN2-related disease. This variant is not present in population databases (ExAC no frequency). This sequence change replaces isoleucine with leucine at codon 324 of the LPIN2 protein (p.Ile324Leu). The isoleucine residue is moderately conserved and there is a small physicochemical difference between isoleucine and leucine.

NM_001375808.2(LPIN2):c.970A>T (p.Ile324Leu)

Gene: LPIN2 (lipin 2; minus strand). Cytogenetic location: 18p11.31.
Variant type: single nucleotide variant.
Coding change: c.970A>T on transcript NM_001375808.2 (MANE Select); coding-DNA position 970, A replaced by T.
Protein change: p.Ile324Leu; replaces isoleucine 324 with leucine.
Molecular consequence: missense variant.
Genome position (GRCh38, 1-based): chr18:2,937,890, T>A on the plus strand (A>T on the coding strand, the complement: LPIN2 is on the minus strand). VCF-style: chr18-2937890-T-A. GRCh37 (hg19) VCF-style: chr18-2937888-T-A.
Other names: c.970A>T, p.Ile324Leu (NM_001375809.1, NM_014646.2); short protein forms I324L.
Identifiers: ClinVar variation 468460 (VCV000468460.8), dbSNP rs1476358117, ClinGen allele CA401706613.